The following is an entry in ClinVar:

ClinVar aggregate classification (germline): Uncertain significance. Review status: criteria provided, multiple submitters, no conflicts (2 of 4 stars). 2 submissions from 2 submitters: Uncertain significance (2). Last evaluated 2025-08-26.

Allele frequency attached by ClinVar (database versions not stated): ESP Exome Variant Server 0.00009.
gnomAD v4.1: 12 of 1,210,175 alleles (0.00099%); highest among the groups gnomAD compares: African/African-American, 0.0035%; no homozygotes.

Submissions (2):

Ambry Genetics
Classification: Uncertain significance. Last evaluated: 2025-08-26. Review status: criteria provided, single submitter. Criteria: Ambry Variant Classification Scheme 2023. Collection method: clinical testing. Allele origin: germline.

Labcorp Genetics (formerly Invitae), Labcorp
Classification: Uncertain significance. Last evaluated: 2023-02-01. Review status: criteria provided, single submitter. Criteria: Invitae Variant Classification Sherloc (09022015). Collection method: clinical testing. Allele origin: germline.
Comment: In summary, the available evidence is currently insufficient to determine the role of this variant in disease. Therefore, it has been classified as a Variant of Uncertain Significance. This sequence change replaces proline, which is neutral and non-polar, with leucine, which is neutral and non-polar, at codon 710 of the DRP2 protein (p.Pro710Leu). This variant is present in population databases (rs370505047, gnomAD 0.002%). This variant has not been reported in the literature in individuals affected with DRP2-related conditions. Advanced modeling of protein sequence and biophysical properties (such as structural, functional, and spatial information, amino acid conservation, physicochemical variation, residue mobility, and thermodynamic stability) has been performed at Invitae for this missense variant, however the output from this modeling did not meet the statistical confidence thresholds required to predict the impact of this variant on DRP2 protein function.

NM_001939.3(DRP2):c.2129C>T (p.Pro710Leu)

Gene: DRP2 (dystrophin related protein 2; plus strand). Cytogenetic location: Xq22.1.
Variant type: single nucleotide variant.
Coding change: c.2129C>T on transcript NM_001939.3 (MANE Select); coding-DNA position 2129, C replaced by T.
Protein change: p.Pro710Leu; replaces proline 710 with leucine.
Molecular consequence: missense variant.
Genome position (GRCh38, 1-based): chrX:101,254,873, C>T. VCF-style: chrX-101254873-C-T. GRCh37 (hg19) VCF-style: chrX-100509862-C-T.
Other names: c.1895C>T, p.Pro632Leu (NM_001171184.2); short protein forms P632L, P710L.
Identifiers: ClinVar variation 2456908 (VCV002456908.6), dbSNP rs370505047, ClinGen allele CA10472411.